The following is an entry in ClinVar:

ClinVar aggregate classification (germline): Likely benign. Review status: criteria provided, multiple submitters, no conflicts (2 of 4 stars). 3 submissions from 3 submitters: Likely benign (3). Last evaluated 2025-12-20.

Conditions:
Cardiomyopathy, familial hypertrophic 27. Identifiers: MedGen C4748014, MONDO:0054838, OMIM 618052.

Allele frequency attached by ClinVar (database versions not stated): TOPMed 0.00002; gnomAD 0.00003; gnomAD exomes 0.00003 and 0.00005; ExAC 0.00007; ESP Exome Variant Server 0.00016.
gnomAD v4.1: 83 of 1,564,816 alleles (0.0053%); highest among the groups gnomAD compares: East Asian, 0.009%; no homozygotes.

Submissions (3):

Labcorp Genetics (formerly Invitae), Labcorp
Classification: Likely benign. Last evaluated: 2025-12-20. Review status: criteria provided, single submitter. Criteria: Invitae Variant Classification Sherloc (09022015). Collection method: clinical testing. Allele origin: germline.

ARUP Laboratories, Molecular Genetics and Genomics, ARUP Laboratories
Classification: Likely benign for Cardiomyopathy, familial hypertrophic 27. Last evaluated: 2025-07-22. Review status: criteria provided, single submitter. Criteria: ARUP Molecular Germline Variant Investigation Process 2024. Collection method: clinical testing. Allele origin: germline.

GeneDx
Classification: Likely benign. Last evaluated: 2017-06-22. Review status: criteria provided, single submitter. Criteria: GeneDx Variant Classification (06012015). Collection method: clinical testing. Allele origin: germline. Affected: yes.
Comment: This variant is considered likely benign or benign based on one or more of the following criteria: it is a conservative change, it occurs at a poorly conserved position in the protein, it is predicted to be benign by multiple in silico algorithms, and/or has population frequency not consistent with disease.

NM_020778.5(ALPK3):c.3817+15G>A

Gene: ALPK3 (alpha kinase 3; plus strand). Cytogenetic location: 15q25.3.
Variant type: single nucleotide variant.
Coding change: c.3817+15G>A on transcript NM_020778.5 (MANE Select); 15 bases into the intron after coding-DNA position 3817, G replaced by A.
Molecular consequence: intron variant.
Genome position (GRCh38, 1-based): chr15:84,858,570, G>A. VCF-style: chr15-84858570-G-A. GRCh37 (hg19) VCF-style: chr15-85401801-G-A.
Identifiers: ClinVar variation 518171 (VCV000518171.9), dbSNP rs368481088, ClinGen allele CA7709721.